The following is an entry in ClinVar:

ClinVar aggregate classification (germline): Uncertain significance. Review status: reviewed by expert panel (3 of 4 stars). 5 submissions from 5 submitters: Uncertain significance (1). 4 of the submissions do not count toward it. Last evaluated 2024-07-11.

Conditions:
Hereditary thrombocytopenia and hematologic cancer predisposition syndrome. Identifiers: Orphanet 71290, MedGen CN281654, MONDO:0011071.
RUNX1-related disorder. Also called: RUNX1-related condition.
Inborn genetic diseases. Identifiers: MedGen C0950123, MeSH D030342.
Hereditary thrombocytopenia and hematological cancer predisposition syndrome associated with RUNX1. Also called: RUNX1 Familial Platelet Disorder with Associated Myeloid Malignancies; PLATELET DISORDER, ASPIRIN-LIKE; Familial Platelet Disorder with Propensity to Acute Myelogenous Leukemia; Familial thrombocytopenia with propensity to acute myelogenous leukemia. Identifiers: Orphanet 71290, MedGen C1832388, MeSH C563324, MONDO:0100083, OMIM 601399.

Allele frequency attached by ClinVar (database versions not stated): ExAC 0.00001; gnomAD 0.00001; TOPMed 0.00001; ESP Exome Variant Server 0.00008.
gnomAD v4.1: 7 of 1,614,026 alleles (0.00043%); highest among the groups gnomAD compares: Non-Finnish European, 0.00059%; no homozygotes.

Submissions (5):

ClinGen Myeloid Malignancy Variant Curation Expert Panel
Classification: Uncertain significance for Hereditary thrombocytopenia and hematologic cancer predisposition syndrome. Last evaluated: 2024-07-11. Review status: reviewed by expert panel. Criteria: ClinGen MyeloMalig ACMG Specifications v2. Collection method: curation. Allele origin: germline. Inheritance: Autosomal dominant inheritance.
Comment: NM_001754.5(RUNX1):c.822A>T (p.Gln274His) is a missense variant which has a REVEL score < 0.50 (0.401) and a SpliceAI score ≤ 0.20 (0.0) (BP4). In summary, the clinical significance of this variant is uncertain. ACMG/AMP criteria applied, as specified by the Myeloid Malignancy Variant Curation Expert Panel for RUNX1: BP4.

Labcorp Genetics (formerly Invitae), Labcorp
Classification: Uncertain significance for Hereditary thrombocytopenia and hematological cancer predisposition syndrome associated with RUNX1. Last evaluated: 2025-09-02. Review status: criteria provided, single submitter. Criteria: Invitae Variant Classification Sherloc (09022015). Collection method: clinical testing. Allele origin: germline. Not counted in ClinVar's aggregate classification.
Comment: This sequence change replaces glutamine, which is neutral and polar, with histidine, which is basic and polar, at codon 274 of the RUNX1 protein (p.Gln274His). This variant is present in population databases (rs370766377, gnomAD 0.0009%). This variant has not been reported in the literature in individuals affected with RUNX1-related conditions. ClinVar contains an entry for this variant (Variation ID: 862114). Invitae Evidence Modeling of protein sequence and biophysical properties (such as structural, functional, and spatial information, amino acid conservation, physicochemical variation, residue mobility, and thermodynamic stability) has been performed for this missense variant. However, the output from this modeling did not meet the statistical confidence thresholds required to predict the impact of this variant on RUNX1 protein function. In summary, the available evidence is currently insufficient to determine the role of this variant in disease. Therefore, it has been classified as a Variant of Uncertain Significance.

Ambry Genetics
Classification: Uncertain significance for Inborn genetic diseases. Last evaluated: 2025-04-04. Review status: criteria provided, single submitter. Criteria: Ambry Variant Classification Scheme 2023. Collection method: clinical testing. Allele origin: germline. Not counted in ClinVar's aggregate classification.
Comment: The p.Q274H variant (also known as c.822A>T), located in coding exon 7 of the RUNX1 gene, results from an A to T substitution at nucleotide position 822. The glutamine at codon 274 is replaced by histidine, an amino acid with highly similar properties. This amino acid position is conserved. In addition, the in silico prediction for this alteration is inconclusive. Based on the available evidence, the clinical significance of this variant remains unclear.

GeneDx
Classification: Uncertain significance. Last evaluated: 2023-11-21. Review status: criteria provided, single submitter. Criteria: GeneDx Variant Classification Process June 2021. Collection method: clinical testing. Allele origin: germline. Affected: yes. Not counted in ClinVar's aggregate classification.
Comment: Not observed at significant frequency in large population cohorts (gnomAD); In silico analysis supports that this missense variant does not alter protein structure/function; Has not been previously published as pathogenic or benign to our knowledge

PreventionGenetics, part of Exact Sciences
Classification: Uncertain significance for RUNX1-related condition. Last evaluated: 2024-01-11. Review status: no assertion criteria provided. Collection method: clinical testing. Allele origin: germline. Not counted in ClinVar's aggregate classification.
Comment: The RUNX1 c.822A>T variant is predicted to result in the amino acid substitution p.Gln274His. To our knowledge, this variant has not been reported in the literature or in a large population database, indicating this variant is rare. At this time, the clinical significance of this variant is uncertain due to the absence of conclusive functional and genetic evidence.

NM_001754.5(RUNX1):c.822A>T (p.Gln274His)

Gene: RUNX1 (RUNX family transcription factor 1; minus strand). Cytogenetic location: 21q22.12.
Variant type: single nucleotide variant.
Coding change: c.822A>T on transcript NM_001754.5 (MANE Select); coding-DNA position 822, A replaced by T.
Protein change: p.Gln274His; replaces glutamine 274 with histidine.
Molecular consequence: missense variant.
Genome position (GRCh38, 1-based): chr21:34,799,446, T>A on the plus strand (A>T on the coding strand, the complement: RUNX1 is on the minus strand). VCF-style: chr21-34799446-T-A. GRCh37 (hg19) VCF-style: chr21-36171743-T-A.
Other names: NM_001754.5(RUNX1):c.822A>T; p.Gln274His; c.741A>T, p.Gln247His (NM_001001890.3); short protein forms Q247H, Q274H.
Identifiers: ClinVar variation 862114 (VCV000862114.14), dbSNP rs370766377, ClinGen allele CA10014288.